The following is an entry in ClinVar:

NM_019066.5(MAGEL2):c.3379G>A (p.Val1127Ile)

Gene: MAGEL2 (MAGE family member L2; minus strand). Cytogenetic location: 15q11.2.
Variant type: single nucleotide variant.
Coding change: c.3379G>A on transcript NM_019066.5 (MANE Select); coding-DNA position 3379, G replaced by A.
Protein change: p.Val1127Ile; replaces valine 1127 with isoleucine.
Molecular consequence: missense variant.
Genome position (GRCh38, 1-based): chr15:23,644,364, C>T on the plus strand (G>A on the coding strand, the complement: MAGEL2 is on the minus strand). VCF-style: chr15-23644364-C-T. GRCh37 (hg19) VCF-style: chr15-23889511-C-T.
Other names: short protein forms V1127I.
Identifiers: ClinVar variation 3768709 (VCV003768709.1).

ClinVar aggregate classification (germline): Uncertain significance (1 of 4 stars; one submission).

Submission:

Women's Health and Genetics/Laboratory Corporation of America, LabCorp
Classification: Uncertain significance. Last evaluated: 2025-02-06. Review status: criteria provided, single submitter. Criteria: LabCorp Variant Classification Summary - May 2015. Collection method: clinical testing. Allele origin: germline.
Comment: Variant summary: MAGEL2 c.3379G>A (p.Val1127Ile) results in a conservative amino acid change located in the MAGE homology domain, winged helix WH1 motif (IPR041898) of the encoded protein sequence. Three of three in-silico tools predict a benign effect of the variant on protein function. The variant was absent in 249150 control chromosomes (gnomAD). The available data on variant occurrences in the general population are insufficient to allow any conclusion about variant significance. To our knowledge, no occurrence of c.3379G>A in individuals affected with Schaaf-Yang Syndrome and no experimental evidence demonstrating its impact on protein function have been reported. No submitters have cited clinical-significance assessments for this variant to ClinVar. Based on the evidence outlined above, the variant was classified as uncertain significance.